The following is an entry in ClinVar:

NM_004415.4(DSP):c.1997C>T (p.Thr666Ile)

Gene: DSP (desmoplakin; plus strand). Cytogenetic location: 6p24.3.
Variant type: single nucleotide variant.
Coding change: c.1997C>T on transcript NM_004415.4 (MANE Select); coding-DNA position 1997, C replaced by T.
Protein change: p.Thr666Ile; replaces threonine 666 with isoleucine.
Molecular consequence: missense variant.
Genome position (GRCh38, 1-based): chr6:7,571,935, C>T. VCF-style: chr6-7571935-C-T. GRCh37 (hg19) VCF-style: chr6-7572168-C-T.
Other names: c.1997C>T, p.Thr666Ile (NM_001008844.3, NM_001319034.2); c.1997C>T (LRG_423t1); short protein forms T666I.
Identifiers: ClinVar variation 496240 (VCV000496240.6), dbSNP rs200053977, ClinGen allele CA133960370.

ClinVar aggregate classification (germline): Uncertain significance. Review status: criteria provided, multiple submitters, no conflicts (2 of 4 stars). 4 submissions from 4 submitters: Uncertain significance (4). Last evaluated 2025-10-04.

Conditions:
Cardiovascular phenotype. Identifiers: MedGen CN230736.
Arrhythmogenic right ventricular dysplasia 8 (ARVD8). Also called: ARRHYTHMOGENIC RIGHT VENTRICULAR CARDIOMYOPATHY 8; Arrhythmogenic Right Ventricular Dysplasia/Cardiomyopathy 8; ARRHYTHMOGENIC RIGHT VENTRICULAR DYSPLASIA, FAMILIAL, 8. Identifiers: MedGen C1843896, MONDO:0011831, OMIM 607450.
Arrhythmogenic cardiomyopathy with wooly hair and keratoderma. Also called: Arrhythmogenic cardiomyopathy with woolly hair and keratoderma; PALMOPLANTAR KERATODERMA WITH LEFT VENTRICULAR CARDIOMYOPATHY AND WOOLLY HAIR; Carvajal syndrome; Dilated cardiomyopathy with woolly hair and keratoderma. Identifiers: Orphanet 65282, MedGen C1854063, MONDO:0011581, OMIM 605676.

Allele frequency attached by ClinVar (database versions not stated): gnomAD exomes below 0.00001; gnomAD 0.00001; 1000 Genomes Project 30x 0.00016; 1000 Genomes Project 0.00020.
gnomAD v4.1: 4 of 1,614,080 alleles (0.00025%); highest among the groups gnomAD compares: African/African-American, 0.0053%; no homozygotes.

Submissions (4):

Labcorp Genetics (formerly Invitae), Labcorp
Classification: Uncertain significance for Arrhythmogenic cardiomyopathy with wooly hair and keratoderma; Arrhythmogenic right ventricular dysplasia 8. Last evaluated: 2025-10-04. Review status: criteria provided, single submitter. Criteria: Invitae Variant Classification Sherloc (09022015). Collection method: clinical testing. Allele origin: germline.
Comment: This sequence change replaces threonine, which is neutral and polar, with isoleucine, which is neutral and non-polar, at codon 666 of the DSP protein (p.Thr666Ile). This variant is not present in population databases (gnomAD no frequency). This variant has not been reported in the literature in individuals affected with DSP-related conditions. ClinVar contains an entry for this variant (Variation ID: 496240). An algorithm developed to predict the effect of missense changes on protein structure and function (PolyPhen-2) suggests that this variant is likely to be tolerated. In summary, the available evidence is currently insufficient to determine the role of this variant in disease. Therefore, it has been classified as a Variant of Uncertain Significance.

GeneDx
Classification: Uncertain significance. Last evaluated: 2024-06-26. Review status: criteria provided, single submitter. Criteria: GeneDx Variant Classification Process June 2021. Collection method: clinical testing. Allele origin: germline. Affected: yes.
Comment: Has not been previously published as pathogenic or benign to our knowledge; Not observed at significant frequency in large population cohorts (gnomAD); In silico analysis indicates that this missense variant does not alter protein structure/function

Ambry Genetics
Classification: Uncertain significance for Cardiovascular phenotype. Last evaluated: 2022-10-14. Review status: criteria provided, single submitter. Criteria: Ambry Variant Classification Scheme 2023. Collection method: clinical testing. Allele origin: germline.
Comment: The p.T666I variant (also known as c.1997C>T), located in coding exon 15 of the DSP gene, results from a C to T substitution at nucleotide position 1997. The threonine at codon 666 is replaced by isoleucine, an amino acid with similar properties. This amino acid position is conserved. In addition, this alteration is predicted to be tolerated by in silico analysis. Since supporting evidence is limited at this time, the clinical significance of this alteration remains unclear.

Women's Health and Genetics/Laboratory Corporation of America, LabCorp
Classification: Uncertain significance. Last evaluated: 2017-03-20. Review status: criteria provided, single submitter. Criteria: LabCorp Variant Classification Summary - May 2015. Collection method: clinical testing. Allele origin: germline.
Comment: Variant summary: The DSP c.1997C>T (p.Thr666Ile) variant involves the alteration of a conserved nucleotide. 2/4 in silico tools predict a benign outcome for this variant (SNPs&GO not captured due to low reliability index). This variant is absent in 121316 control chromosomes. The variant of interest has not, to our knowledge, been reported in affected individuals via publications and/or reputable databases/clinical diagnostic laboratories; nor evaluated for functional impact by in vivo/vitro studies. Because of the absence of clinical information and the lack of functional studies, the variant is classified as a variant of uncertain significance (VUS) until additional information becomes available.